The following is an entry in ClinVar:

NM_004329.3(BMPR1A):c.161A>T (p.Asp54Val)

Gene: BMPR1A (bone morphogenetic protein receptor type 1A; plus strand). Cytogenetic location: 10q23.2.
Variant type: single nucleotide variant.
Coding change: c.161A>T on transcript NM_004329.3 (MANE Select); coding-DNA position 161, A replaced by T.
Protein change: p.Asp54Val; replaces aspartic acid 54 with valine.
Molecular consequence: missense variant.
Genome position (GRCh38, 1-based): chr10:86,890,155, A>T. VCF-style: chr10-86890155-A-T. GRCh37 (hg19) VCF-style: chr10-88649912-A-T.
Other names: short protein forms D54V.
Identifiers: ClinVar variation 529950 (VCV000529950.12), dbSNP rs1554888124, ClinGen allele CA377446765.

ClinVar aggregate classification (germline): Uncertain significance. Review status: criteria provided, multiple submitters, no conflicts (2 of 4 stars). 3 submissions from 3 submitters: Uncertain significance (3). Last evaluated 2026-08-18.

Conditions:
Hereditary cancer-predisposing syndrome. Also called: Hereditary Cancer Syndrome; Tumor predisposition; Hereditary neoplastic syndrome; Neoplastic Syndromes, Hereditary. Identifiers: Orphanet 140162, MedGen C0027672, MeSH D009386, MONDO:0015356.
Juvenile polyposis syndrome (JPS). Identifiers: Orphanet 2929, MedGen C0345893, MONDO:0017380, OMIM 174900.

Submissions (3):

Ambry Genetics
Classification: Uncertain significance for Hereditary cancer-predisposing syndrome. Last evaluated: 2026-08-18. Review status: criteria provided, single submitter. Criteria: Ambry Variant Classification Scheme 2023. Collection method: clinical testing. Allele origin: germline.
Comment: The p.D54V variant (also known as c.161A>T), located in coding exon 2 of the BMPR1A gene, results from an A to T substitution at nucleotide position 161. The aspartic acid at codon 54 is replaced by valine, an amino acid with highly dissimilar properties. This amino acid position is highly conserved in available vertebrate species. In addition, this alteration is predicted to be deleterious by in silico analysis. Based on the available evidence, the clinical significance of this variant remains unclear.

Color Diagnostics, LLC DBA Color Health
Classification: Uncertain significance for Hereditary cancer-predisposing syndrome. Last evaluated: 2025-08-27. Review status: criteria provided, single submitter. Criteria: ACMG Guidelines, 2015. Collection method: clinical testing. Allele origin: germline.
Comment: This missense variant replaces aspartic acid with valine at codon 54 of the BMPR1A protein. Computational prediction suggests that this variant may not impact protein structure and function. To our knowledge, functional studies have not been reported for this variant. This variant has not been reported in individuals affected with BMPR1A-related disorders in the literature. This variant has not been identified in the general population by the Genome Aggregation Database (gnomAD). The available evidence is insufficient to determine the role of this variant in disease conclusively. Therefore, this variant is classified as a Variant of Uncertain Significance.

Labcorp Genetics (formerly Invitae), Labcorp
Classification: Uncertain significance for Juvenile polyposis syndrome. Last evaluated: 2024-06-09. Review status: criteria provided, single submitter. Criteria: Invitae Variant Classification Sherloc (09022015). Collection method: clinical testing. Allele origin: germline.
Comment: This sequence change replaces aspartic acid, which is acidic and polar, with valine, which is neutral and non-polar, at codon 54 of the BMPR1A protein (p.Asp54Val). This variant is not present in population databases (gnomAD no frequency). This variant has not been reported in the literature in individuals affected with BMPR1A-related conditions. ClinVar contains an entry for this variant (Variation ID: 529950). Advanced modeling of protein sequence and biophysical properties (such as structural, functional, and spatial information, amino acid conservation, physicochemical variation, residue mobility, and thermodynamic stability) performed at Invitae indicates that this missense variant is not expected to disrupt BMPR1A protein function with a negative predictive value of 95%. In summary, the available evidence is currently insufficient to determine the role of this variant in disease. Therefore, it has been classified as a Variant of Uncertain Significance.